The following is an entry in ClinVar:

NM_000051.4(ATM):c.4292A>G (p.Asn1431Ser)

Gene: ATM (ATM serine/threonine kinase; plus strand). Cytogenetic location: 11q22.3.
Variant type: single nucleotide variant.
Coding change: c.4292A>G on transcript NM_000051.4 (MANE Select); coding-DNA position 4292, A replaced by G.
Protein change: p.Asn1431Ser; replaces asparagine 1431 with serine.
Molecular consequence: missense variant.
Genome position (GRCh38, 1-based): chr11:108,289,657, A>G. VCF-style: chr11-108289657-A-G. GRCh37 (hg19) VCF-style: chr11-108160384-A-G.
Other names: c.4292A>G, p.Asn1431Ser (NM_001351834.2); short protein forms N1431S.
Identifiers: ClinVar variation 407628 (VCV000407628.7), dbSNP rs201356803, ClinGen allele CA16613045.

ClinVar aggregate classification (germline): Uncertain significance. Review status: criteria provided, multiple submitters, no conflicts (2 of 4 stars). 4 submissions from 4 submitters: Uncertain significance (4). Last evaluated 2024-09-02.

Conditions:
Hereditary cancer-predisposing syndrome. Also called: Hereditary neoplastic syndrome; Neoplastic Syndromes, Hereditary; Tumor predisposition; Hereditary Cancer Syndrome. Identifiers: Orphanet 140162, MedGen C0027672, MeSH D009386, MONDO:0015356.
Ataxia-telangiectasia syndrome (AT). Also called: Ataxia telangiectasia (A-T); LOUIS-BAR SYNDROME; Cerebello-oculocutaneous telangiectasia; Immunodeficiency with ataxia telangiectasia; Ataxia-telangiectasia, complementation group D; AT, COMPLEMENTATION GROUP C. Identifiers: Orphanet 100, MedGen C0004135, MONDO:0008840, OMIM 208900.

gnomAD v4.1: 1 of 1,612,264 alleles (0.000062%); highest among the groups gnomAD compares: Non-Finnish European, 0.000085%; no homozygotes.

Submissions (4):

Hereditary Cancer Laboratory, Hospital Universitario 12 de Octubre
Classification: Uncertain significance for Hereditary cancer-predisposing syndrome. Last evaluated: 2024-09-02. Review status: criteria provided, single submitter. Criteria: ACMG Guidelines, 2015. Collection method: clinical testing. Allele origin: germline.
Comment: PM2

Ambry Genetics
Classification: Uncertain significance for Hereditary cancer-predisposing syndrome. Last evaluated: 2024-06-03. Review status: criteria provided, single submitter. Criteria: Ambry Variant Classification Scheme 2023. Collection method: clinical testing. Allele origin: germline.
Comment: The p.N1431S variant (also known as c.4292A>G), located in coding exon 28 of the ATM gene, results from an A to G substitution at nucleotide position 4292. The asparagine at codon 1431 is replaced by serine, an amino acid with highly similar properties. This amino acid position is highly conserved in available vertebrate species. In addition, this alteration is predicted to be tolerated by in silico analysis. Based on the available evidence, the clinical significance of this variant remains unclear.

Sema4
Classification: Uncertain significance for Hereditary cancer-predisposing syndrome. Last evaluated: 2021-12-02. Review status: criteria provided, single submitter. Criteria: Sema4 Curation Guidelines. Collection method: curation. Allele origin: germline.
Comment: To the best of our knowledge, the ATM c.4292A>G (p.N1431S) variant has not been reported in individuals with ATM-related disease. This variant is not reported in the population database Genome Aggregation Database (PMID: 32461654). This variant has been reported in ClinVar (Variation ID: 407628). Functional studies have not been performed, and in silico predictions of the variant's effect on protein function are inconclusive. The evidence is insufficient to meet ACMG/AMP criteria for classifying the variant as benign or pathogenic. Thus, the clinical significance of this variant is currently uncertain.

Labcorp Genetics (formerly Invitae), Labcorp
Classification: Uncertain significance for Ataxia-telangiectasia syndrome. Last evaluated: 2021-08-24. Review status: criteria provided, single submitter. Criteria: Invitae Variant Classification Sherloc (09022015). Collection method: clinical testing. Allele origin: germline.
Comment: This sequence change replaces asparagine with serine at codon 1431 of the ATM protein (p.Asn1431Ser). The asparagine residue is moderately conserved and there is a small physicochemical difference between asparagine and serine. This variant is not present in population databases (ExAC no frequency). This variant has not been reported in the literature in individuals affected with ATM-related conditions. Algorithms developed to predict the effect of missense changes on protein structure and function (SIFT, PolyPhen-2, Align-GVGD) all suggest that this variant is likely to be tolerated. In summary, the available evidence is currently insufficient to determine the role of this variant in disease. Therefore, it has been classified as a Variant of Uncertain Significance.